The following is an entry in ClinVar:

NM_001768.7(CD8A):c.379C>T (p.His127Tyr)

Gene: CD8A (CD8 subunit alpha; minus strand). Cytogenetic location: 2p11.2.
Variant type: single nucleotide variant.
Coding change: c.379C>T on transcript NM_001768.7 (MANE Select); coding-DNA position 379, C replaced by T.
Protein change: p.His127Tyr; replaces histidine 127 with tyrosine.
Molecular consequence: missense variant. On other transcripts: non-coding transcript variant (3).
Genome position (GRCh38, 1-based): chr2:86,790,352, G>A on the plus strand (C>T on the coding strand, the complement: CD8A is on the minus strand). VCF-style: chr2-86790352-G-A. GRCh37 (hg19) VCF-style: chr2-87017475-G-A.
Other names: c.379C>T, p.His127Tyr (NM_001145873.1, NM_001382698.1, NM_171827.4); short protein forms H127Y.
Identifiers: ClinVar variation 854487 (VCV000854487.8), dbSNP rs202160413, ClinGen allele CA1751215.

ClinVar aggregate classification (germline): Uncertain significance. Review status: criteria provided, multiple submitters, no conflicts (2 of 4 stars). 2 submissions from 2 submitters: Uncertain significance (2). Last evaluated 2021-08-28.

Conditions:
Susceptibility to respiratory infections associated with CD8alpha chain mutation (IMD116). Also called: Cd8 deficiency, familial; IMMUNODEFICIENCY 116. Identifiers: Orphanet 169085, MedGen C1837065, MONDO:0012161, OMIM 608957.

Allele frequency attached by ClinVar (database versions not stated): gnomAD exomes 0.00001 and 0.00004; gnomAD 0.00002 and 0.00003; TOPMed 0.00002; ExAC 0.00003; 1000 Genomes Project 0.00020; 1000 Genomes Project 30x 0.00031.

Submissions (2):

Labcorp Genetics (formerly Invitae), Labcorp
Classification: Uncertain significance for Susceptibility to respiratory infections associated with CD8alpha chain mutation. Last evaluated: 2021-08-28. Review status: criteria provided, single submitter. Criteria: Invitae Variant Classification Sherloc (09022015). Collection method: clinical testing. Allele origin: germline.
Comment: This sequence change replaces histidine with tyrosine at codon 127 of the CD8A protein (p.His127Tyr). The histidine residue is weakly conserved and there is a moderate physicochemical difference between histidine and tyrosine. This variant is present in population databases (rs202160413, ExAC 0.02%). This variant has not been reported in the literature in individuals affected with CD8A-related conditions. Algorithms developed to predict the effect of missense changes on protein structure and function (SIFT, PolyPhen-2, Align-GVGD) all suggest that this variant is likely to be tolerated. In summary, the available evidence is currently insufficient to determine the role of this variant in disease. Therefore, it has been classified as a Variant of Uncertain Significance.

Breakthrough Genomics
Classification: Uncertain significance. Review status: criteria provided, single submitter. Criteria: ACMG Guidelines, 2015. Collection method: not provided. Allele origin: germline. Inheritance: Autosomal recessive inheritance. Affected: yes.